The following is an entry in ClinVar:

NM_006459.4(ERLIN1):c.178A>G (p.Thr60Ala)

Gene: ERLIN1 (ER lipid raft associated 1; minus strand). Cytogenetic location: 10q24.31.
Variant type: single nucleotide variant.
Coding change: c.178A>G on transcript NM_006459.4 (MANE Select); coding-DNA position 178, A replaced by G.
Protein change: p.Thr60Ala; replaces threonine 60 with alanine.
Molecular consequence: missense variant. On other transcripts: 5 prime UTR variant (1), non-coding transcript variant (5), intron variant (1).
Genome position (GRCh38, 1-based): chr10:100,183,773, T>C on the plus strand (A>G on the coding strand, the complement: ERLIN1 is on the minus strand). VCF-style: chr10-100183773-T-C. GRCh37 (hg19) VCF-style: chr10-101943530-T-C.
Other names: c.178A>G, p.Thr60Ala (NM_001100626.2, NM_001347857.2, NM_001347859.2 and 2 more transcripts); c.-194A>G (NM_001347858.2); c.-58+1741A>G (NM_001347856.2); c.178A>G (NM_006459.3); short protein forms T60A.
Identifiers: ClinVar variation 1434738 (VCV001434738.9), dbSNP rs1040330782, ClinGen allele CA212901614.

ClinVar aggregate classification (germline): Uncertain significance. Review status: criteria provided, multiple submitters, no conflicts (2 of 4 stars). 2 submissions from 2 submitters: Uncertain significance (2). Last evaluated 2025-04-12.

Conditions:
Hereditary spastic paraplegia 62. Also called: Spastic paraplegia 62, autosomal recessive. Identifiers: Orphanet 401785, MedGen C4284588, MONDO:0014302, OMIM 615681.

Allele frequency attached by ClinVar (database versions not stated): gnomAD 0.00001; gnomAD exomes 0.00001; TOPMed 0.00002.
gnomAD v4.1: 17 of 1,612,708 alleles (0.0011%); highest among the groups gnomAD compares: East Asian, 0.0022%; no homozygotes.

Submissions (2):

Ambry Genetics
Classification: Uncertain significance. Last evaluated: 2025-04-12. Review status: criteria provided, single submitter. Criteria: Ambry Variant Classification Scheme 2023. Collection method: clinical testing. Allele origin: germline.

Labcorp Genetics (formerly Invitae), Labcorp
Classification: Uncertain significance for Hereditary spastic paraplegia 62. Last evaluated: 2022-03-08. Review status: criteria provided, single submitter. Criteria: Invitae Variant Classification Sherloc (09022015). Collection method: clinical testing. Allele origin: germline.
Comment: This variant is not present in population databases (gnomAD no frequency). In summary, the available evidence is currently insufficient to determine the role of this variant in disease. Therefore, it has been classified as a Variant of Uncertain Significance. Algorithms developed to predict the effect of missense changes on protein structure and function (SIFT, PolyPhen-2, Align-GVGD) all suggest that this variant is likely to be tolerated. This variant has not been reported in the literature in individuals affected with ERLIN1-related conditions. This sequence change replaces threonine, which is neutral and polar, with alanine, which is neutral and non-polar, at codon 60 of the ERLIN1 protein (p.Thr60Ala).